The following is an entry in ClinVar:

ClinVar aggregate classification (germline): Uncertain significance (1 of 4 stars; one submission).

Allele frequency attached by ClinVar (database versions not stated): gnomAD exomes 0.00001.
gnomAD v4.1: 15 of 1,614,158 alleles (0.00093%); highest among the groups gnomAD compares: Non-Finnish European, 0.0013%; no homozygotes.

Submission:

GeneDx
Classification: Uncertain significance. Last evaluated: 2022-06-06. Review status: criteria provided, single submitter. Criteria: GeneDx Variant Classification Process June 2021. Collection method: clinical testing. Allele origin: germline. Affected: yes.
Comment: Not observed at significant frequency in large population cohorts (gnomAD); In silico analysis supports that this missense variant does not alter protein structure/function; Has not been previously published as pathogenic or benign to our knowledge

NM_182641.4(BPTF):c.3890C>G (p.Ser1297Cys)

Gene: BPTF (bromodomain PHD finger transcription factor; plus strand). Cytogenetic location: 17q24.2.
Variant type: single nucleotide variant.
Coding change: c.3890C>G on transcript NM_182641.4 (MANE Select); coding-DNA position 3890, C replaced by G.
Protein change: p.Ser1297Cys; replaces serine 1297 with cysteine.
Molecular consequence: missense variant.
Genome position (GRCh38, 1-based): chr17:67,911,774, C>G. VCF-style: chr17-67911774-C-G. GRCh37 (hg19) VCF-style: chr17-65907890-C-G.
Other names: c.4268C>G, p.Ser1423Cys (NM_004459.7); short protein forms S1297C, S1423C.
Identifiers: ClinVar variation 1803359 (VCV001803359.1), dbSNP rs750217353, ClinGen allele CA293263203.